The following is an entry in ClinVar:

ClinVar aggregate classification (germline): Uncertain significance (1 of 4 stars; one submission).

Conditions:
Fanconi anemia (FA). Also called: Fanconi's anemia. Identifiers: Orphanet 84, MedGen C0015625, MeSH D005199, MONDO:0019391.

Submission:

Labcorp Genetics (formerly Invitae), Labcorp
Classification: Uncertain significance for Fanconi anemia. Last evaluated: 2017-01-12. Review status: criteria provided, single submitter. Criteria: Invitae Variant Classification Sherloc (09022015). Collection method: clinical testing. Allele origin: germline.
Comment: This sequence change deletes 3 nucleotides from exon 5 of the FANCG mRNA (c.520_523delinsC). This leads to the deletion of 2 amino acid residues and the insertion of 1 amino acid residue in the FANCG protein (p.Ser174_Lys175delinsGln) but otherwise preserves the integrity of the reading frame. This variant is not present in population databases (ExAC no frequency) and has not been reported in the literature in individuals with a FANCG-related disease. Experimental studies and prediction algorithms are not available for this variant, and the functional significance of the deleted amino acid is currently unknown. In summary, this variant is a novel complex sequence change with uncertain impact on protein function. It has been classified as a Variant of Uncertain Significance.

NC_000009.12:g.35077387_35077390delinsG

Gene: FANCG (FA complementation group G; minus strand). Cytogenetic location: 9p13.3.
Variant type: Indel.
Genome position: GRCh38 VCF-style: chr9-35077387-TAGA-G. GRCh37 (hg19) VCF-style: chr9-35077384-TAGA-G.
Other names: c.520_523delinsC, p.Ser174_Lys175delinsGln (LRG_499t1).
Identifiers: ClinVar variation 456238 (VCV000456238.2), dbSNP rs1554670417, ClinGen allele CA658657867.